The following is an entry in ClinVar:

NM_024422.6(DSC2):c.357C>A (p.Val119=)

Gene: DSC2 (desmocollin 2; minus strand). Cytogenetic location: 18q12.1.
Variant type: single nucleotide variant.
Coding change: c.357C>A on transcript NM_024422.6 (MANE Select); coding-DNA position 357, C replaced by A.
Protein change: p.Val119=; no amino-acid change (valine 119 retained).
Molecular consequence: synonymous variant. On other transcripts: 5 prime UTR variant (2).
Genome position (GRCh38, 1-based): chr18:31,091,145, G>T on the plus strand (C>A on the coding strand, the complement: DSC2 is on the minus strand). VCF-style: chr18-31091145-G-T. GRCh37 (hg19) VCF-style: chr18-28671108-G-T.
Other names: c.-73C>A (NM_001406506.1, NM_001406507.1); c.357C>A, p.Val119= (NM_004949.5).
Identifiers: ClinVar variation 3386552 (VCV003386552.1).

ClinVar aggregate classification (germline): Likely benign (1 of 4 stars; one submission).

Conditions:
Familial isolated arrhythmogenic right ventricular dysplasia. Identifiers: Orphanet 217656, MedGen C4274968, MONDO:0016342.

Submission:

All of Us Research Program, National Institutes of Health
Classification: Likely benign for Familial isolated arrhythmogenic right ventricular dysplasia. Last evaluated: 2024-08-13. Review status: criteria provided, single submitter. Criteria: ACMG Guidelines, 2015. Collection method: clinical testing. Allele origin: germline. Inheritance: Autosomal dominant inheritance. Observed: 2 variant alleles, 2 heterozygotes.
Comment: This study involves interpretation of variants in research participants for the purpose of population health screening. Participant phenotype was not available at the time of variant classification. Additional details can be found in publication PMID: 35346344, PMCID: PMC8962531